The following is an entry in ClinVar:

NM_032119.4(ADGRV1):c.2317G>A (p.Gly773Arg)

Gene: ADGRV1 (adhesion G protein-coupled receptor V1; plus strand). Cytogenetic location: 5q14.3.
Variant type: single nucleotide variant.
Coding change: c.2317G>A on transcript NM_032119.4 (MANE Select); coding-DNA position 2317, G replaced by A.
Protein change: p.Gly773Arg; replaces glycine 773 with arginine.
Molecular consequence: missense variant. On other transcripts: non-coding transcript variant (1).
Genome position (GRCh38, 1-based): chr5:90,642,712, G>A. VCF-style: chr5-90642712-G-A. GRCh37 (hg19) VCF-style: chr5-89938529-G-A.
Other names: short protein forms G773R.
Identifiers: ClinVar variation 1204845 (VCV001204845.11), dbSNP rs767408599, ClinGen allele CA3338890.
Genomic context (GRCh38, chr5:90,642,712, plus strand): 5'-CAAGTGCTGAAATCTGGATATACTAGCCGTGACCTAATTATTTTGGAAAATGATGACCCT[G>A]GGGGAGTTTTTGAATTTTCTCCTGCTTCCAGAGGACCCTATGTTATAAAAGTAAGTACGA-3'
Protein context (NP_115495.3, residues 763-783): DLIILENDDP[Gly773Arg]GVFEFSPASR

ClinVar aggregate classification (germline): Likely benign. Review status: criteria provided, multiple submitters, no conflicts (2 of 4 stars). 4 submissions from 4 submitters: Likely benign (4). Last evaluated 2025-12-13.

Conditions:
ADGRV1-related disorder. Also called: ADGRV1-related disorders; ADGRV1-related condition.

Allele frequency attached by ClinVar (database versions not stated): ExAC 0.00022; gnomAD 0.00003; gnomAD exomes 0.00009 and 0.00021; TOPMed 0.00011.
gnomAD v4.1: 60 of 1,613,400 alleles (0.0037%); highest among the groups gnomAD compares: Admixed American, 0.1%; no homozygotes.

Submissions (4):

Labcorp Genetics (formerly Invitae), Labcorp
Classification: Likely benign. Last evaluated: 2025-12-13. Review status: criteria provided, single submitter. Criteria: Invitae Variant Classification Sherloc (09022015). Collection method: clinical testing. Allele origin: germline.

PreventionGenetics, part of Exact Sciences
Classification: Likely benign for ADGRV1-related condition. Last evaluated: 2025-04-02. Review status: criteria provided, single submitter. Criteria: ACMG Guidelines, 2015. Collection method: clinical testing. Allele origin: germline.
Comment: This variant is classified as likely benign based on ACMG/AMP sequence variant interpretation guidelines (Richards et al. 2015 PMID: 25741868, with internal and published modifications).

Blueprint Genetics
Classification: Likely benign. Last evaluated: 2023-11-23. Review status: criteria provided, single submitter. Criteria: ACMG Guidelines, 2015. Collection method: clinical testing. Allele origin: germline.

GeneDx
Classification: Likely benign. Last evaluated: 2020-03-09. Review status: criteria provided, single submitter. Criteria: GeneDx Variant Classification Process June 2021. Collection method: clinical testing. Allele origin: germline. Affected: yes.